The following is an entry in ClinVar:

ClinVar aggregate classification (germline): Likely pathogenic (1 of 4 stars; one submission).

Conditions:
Rhizomelic chondrodysplasia punctata type 1 (RCDP1). Also called: CHONDRODYSTROPHIA CALCIFICANS PUNCTATA; PEROXISOME BIOGENESIS DISORDER 9; PEX7-Related Rhizomelic Chondrodysplasia Punctata. Identifiers: Orphanet 177, Orphanet 309789, MedGen C1859133, MONDO:0008972, OMIM 215100. Disease mechanism: loss of function.

gnomAD v4.1: 4 of 1,592,122 alleles (0.00025%); highest among the groups gnomAD compares: Non-Finnish European, 0.00034%; no homozygotes.

Submission:

Women's Health and Genetics/Laboratory Corporation of America, LabCorp
Classification: Likely pathogenic for Rhizomelic chondrodysplasia punctata type 1. Last evaluated: 2022-06-02. Review status: criteria provided, single submitter. Criteria: LabCorp Variant Classification Summary - May 2015. Collection method: clinical testing. Allele origin: germline.
Comment: Variant summary: PEX7 c.418-1G>A is located in a canonical splice-site and is predicted to affect mRNA splicing resulting in a significantly altered protein due to either exon skipping, shortening, or inclusion of intronic material. Several computational tools predict a significant impact on normal splicing: Four predict the variant abolishes a 3' acceptor site. However, these predictions have yet to be confirmed by functional studies. The variant allele was found at a frequency of 4e-06 in 251080 control chromosomes. To our knowledge, no occurrence of c.418-1G>A in individuals affected with Rhizomelic Chondrodysplasia Punctata Type 1 and no experimental evidence demonstrating its impact on protein function have been reported. One clinical diagnostic laboratory has submitted clinical-significance assessments for this variant to ClinVar after 2014 without evidence for independent evaluation and classified the variant as likely pathogenic. Based on the evidence outlined above, the variant was classified as likely pathogenic.

NM_000288.4(PEX7):c.418-1G>A

Gene: PEX7 (peroxisomal biogenesis factor 7; plus strand). Cytogenetic location: 6q23.3.
Variant type: single nucleotide variant.
Coding change: c.418-1G>A on transcript NM_000288.4 (MANE Select); the canonical splice acceptor site of the intron before coding-DNA position 418, G replaced by A.
Molecular consequence: splice acceptor variant.
Genome position (GRCh38, 1-based): chr6:136,846,072, G>A. VCF-style: chr6-136846072-G-A. GRCh37 (hg19) VCF-style: chr6-137167210-G-A.
Other names: c.304-1G>A (NM_001410945.1).
Identifiers: ClinVar variation 1698602 (VCV001698602.1), dbSNP rs773406384, ClinGen allele CA4017614.